The following is an entry in ClinVar:

ClinVar aggregate classification (germline): Pathogenic (1 of 4 stars; one submission).

Submission:

Labcorp Genetics (formerly Invitae), Labcorp
Classification: Pathogenic. Last evaluated: 2020-03-31. Review status: criteria provided, single submitter. Criteria: Invitae Variant Classification Sherloc (09022015). Collection method: clinical testing. Allele origin: germline.
Comment: This sequence change creates a premature translational stop signal (p.Ser289Thrfs*9) in the SLC24A1 gene. It is expected to result in an absent or disrupted protein product. For these reasons, this variant has been classified as Pathogenic. Loss-of-function variants in SLC24A1 are known to be pathogenic (PMID: 20850105, 26822852). This variant has not been reported in the literature in individuals with SLC24A1-related conditions. This variant is present in population databases (rs761718583, ExAC 0.01%).

Literature cited by the submitters: PubMed 20850105; PubMed 26822852.

NM_004727.3(SLC24A1):c.866_869del (p.Ser289fs)

Gene: SLC24A1 (solute carrier family 24 member 1; plus strand). Cytogenetic location: 15q22.31.
Variant type: Deletion.
Coding change: c.866_869del on transcript NM_004727.3 (MANE Select); coding-DNA positions 866 to 869, 4 bases deleted (GTAA; older notation c.866_869delGTAA).
Protein change: p.Ser289fs; shifts the reading frame from serine 289.
Molecular consequence: frameshift variant.
Genome position (GRCh38, 1-based): chr15:65,624,946-65,624,949, GTAA deleted; deleting any 4 consecutive bases within chr15:65,624,944-65,624,949 gives the same sequence; the c. name uses the placement nearest the transcript's 3' end. VCF-style (leftmost placement, unchanged base first): chr15-65624943-AAAGT-A. GRCh37 (hg19) VCF-style: chr15-65917281-AAAGT-A.
Other names: c.866_869del, p.Ser289fs (NM_001301031.1, NM_001301032.1, NM_001301033.2); short protein forms S289fs.
Identifiers: ClinVar variation 970109 (VCV000970109.7), dbSNP rs761718583, ClinGen allele CA7619811.